The following is an entry in ClinVar:

ClinVar aggregate classification (germline): Uncertain significance (1 of 4 stars; one submission).

Conditions:
MIR17HG-related disorder. Also called: MIR17HG-related condition.

gnomAD v4.1: 9 of 152,294 alleles (0.0059%); highest among the groups gnomAD compares: Non-Finnish European, 0.01%; no homozygotes.

Submission:

PreventionGenetics, part of Exact Sciences
Classification: Uncertain significance for MIR17HG-related condition. Last evaluated: 2025-01-11. Review status: criteria provided, single submitter. Criteria: ACMG Guidelines, 2015. Collection method: clinical testing. Allele origin: germline.
Comment: The MIR17HG n.3847A>C is a noncoding alteration. To our knowledge, this variant has not been reported in the literature or in a large population database (gnomAD), indicating this variant is rare. At this time, the clinical significance of this variant is uncertain due to the absence of conclusive functional and genetic evidence.

NR_197388.1(MIR17HG):n.3595A>C

Gene: MIR17HG (miR-17-92a-1 cluster host gene; plus strand). Cytogenetic location: 13q31.3.
Variant type: single nucleotide variant.
Molecular consequence: non-coding transcript variant (on NR_197388.1).
Genome position: GRCh38 VCF-style: chr13-91353404-A-C. GRCh37 (hg19) VCF-style: chr13-92005658-A-C.
Identifiers: ClinVar variation 4986687 (VCV004986687.1).